The following is an entry in ClinVar:

NM_020843.4(SCAPER):c.4141A>G (p.Arg1381Gly)

Gene: SCAPER (S-phase cyclin A associated protein in the ER; minus strand). Cytogenetic location: 15q24.3.
Variant type: single nucleotide variant.
Coding change: c.4141A>G on transcript NM_020843.4 (MANE Select); coding-DNA position 4141, A replaced by G.
Protein change: p.Arg1381Gly; replaces arginine 1381 with glycine.
Molecular consequence: missense variant. On other transcripts: non-coding transcript variant (1).
Genome position (GRCh38, 1-based): chr15:76,348,695, T>C on the plus strand (A>G on the coding strand, the complement: SCAPER is on the minus strand). VCF-style: chr15-76348695-T-C. GRCh37 (hg19) VCF-style: chr15-76641036-T-C.
Other names: c.3403A>G, p.Arg1135Gly (NM_001145923.2); c.4159A>G, p.Arg1387Gly (NM_001353009.2); c.3739A>G, p.Arg1247Gly (NM_001353010.2, NM_001353012.2); c.3757A>G, p.Arg1253Gly (NM_001353011.2); short protein forms R1135G, R1247G, R1381G, R1253G, R1387G.
Identifiers: ClinVar variation 4991437 (VCV004991437.1).

ClinVar aggregate classification (germline): Uncertain significance (1 of 4 stars; one submission).

Conditions:
SCAPER-related disorder. Also called: SCAPER-related condition.

Submission:

PreventionGenetics, part of Exact Sciences
Classification: Uncertain significance for SCAPER-related condition. Last evaluated: 2025-10-06. Review status: criteria provided, single submitter. Criteria: ACMG Guidelines, 2015. Collection method: clinical testing. Allele origin: germline.
Comment: The SCAPER c.4159A>G variant is predicted to result in the amino acid substitution p.Arg1387Gly. To our knowledge, this variant has not been reported in the literature or in a large population database (gnomAD), indicating this variant is rare. At this time, the clinical significance of this variant is uncertain due to the absence of conclusive functional and genetic evidence.